The following is an entry in ClinVar:

ClinVar aggregate classification (germline): Conflicting classifications of pathogenicity. Review status: criteria provided, conflicting classifications (1 of 4 stars). 2 submissions from 2 submitters: Uncertain significance (1); Likely benign (1). Last evaluated 2023-10-17.

Conditions:
Inborn genetic diseases. Identifiers: MedGen C0950123, MeSH D030342.
Hereditary spastic paraplegia 11. Also called: SPASTIC PARAPLEGIA, AUTOSOMAL RECESSIVE, COMPLICATED, WITH THIN CORPUS CALLOSUM; SPASTIC PARAPLEGIA, AUTOSOMAL RECESSIVE, WITH MENTAL IMPAIRMENT AND THIN CORPUS CALLOSUM; Nakamura Osame syndrome; Autosomal recessive hereditary spastic paraplegia, mental impairment, and thin corpus callosum; Spastic paraplegia, mental retardation and thin corpus callosum; Spastic Paraplegia 11. Identifiers: Orphanet 2822, MedGen C1858479, MONDO:0011445, OMIM 604360.

Allele frequency attached by ClinVar (database versions not stated): gnomAD exomes below 0.00001; TOPMed below 0.00001.
gnomAD v4.1: 2 of 1,611,908 alleles (0.00012%); highest among the groups gnomAD compares: Non-Finnish European, 0.00017%; no homozygotes.

Submissions (2):

Labcorp Genetics (formerly Invitae), Labcorp
Classification: Likely benign for Hereditary spastic paraplegia 11. Last evaluated: 2023-10-17. Review status: criteria provided, single submitter. Criteria: Invitae Variant Classification Sherloc (09022015). Collection method: clinical testing. Allele origin: germline.

Ambry Genetics
Classification: Uncertain significance for Inborn genetic diseases. Last evaluated: 2021-07-23. Review status: criteria provided, single submitter. Criteria: Ambry Variant Classification Scheme 2023. Collection method: clinical testing. Allele origin: germline.
Comment: The c.1892-6C>T intronic variant results from a C to T substitution 6 nucleotides upstream from coding exon 10 in the SPG11 gene. This nucleotide position is well conserved in available vertebrate species. In silico splice site analysis predicts that this alteration will not have any significant effect on splicing. Since supporting evidence is limited at this time, the clinical significance of this alteration remains unclear.

NM_025137.4(SPG11):c.1892-6C>T

Gene: SPG11 (SPG11 vesicle trafficking associated, spatacsin; minus strand). Cytogenetic location: 15q21.1.
Variant type: single nucleotide variant.
Coding change: c.1892-6C>T on transcript NM_025137.4 (MANE Select); 6 bases into the intron before coding-DNA position 1892, C replaced by T.
Molecular consequence: intron variant.
Genome position (GRCh38, 1-based): chr15:44,628,850, G>A on the plus strand (C>T on the coding strand, the complement: SPG11 is on the minus strand). VCF-style: chr15-44628850-G-A. GRCh37 (hg19) VCF-style: chr15-44921048-G-A.
Other names: c.1892-6C>T (NM_001160227.2).
Identifiers: ClinVar variation 1782089 (VCV001782089.7), dbSNP rs1322622893, ClinGen allele CA617674705.